The following is an entry in ClinVar:

NM_007332.3(TRPA1):c.1965T>C (p.Tyr655=)

Genes: TRPA1 (transient receptor potential cation channel subfamily A member 1; minus strand), MSC-AS1 (MSC antisense RNA 1; plus strand). Cytogenetic location: 8q21.11.
Variant type: single nucleotide variant.
Coding change: c.1965T>C on transcript NM_007332.3 (MANE Select); coding-DNA position 1965, T replaced by C.
Protein change: p.Tyr655=; no amino-acid change (tyrosine 655 retained).
Molecular consequence: synonymous variant.
Genome position (GRCh38, 1-based): chr8:72,047,148, A>G on the plus strand (T>C on the coding strand, the complement: TRPA1 is on the minus strand). VCF-style: chr8-72047148-A-G. GRCh37 (hg19) VCF-style: chr8-72959383-A-G.
Other names: NC_000008.10:g.72959383A>G.
Identifiers: ClinVar variation 773506 (VCV000773506.36), dbSNP rs143973551, ClinGen allele CA4780707.

ClinVar aggregate classification (germline): Likely benign. Review status: criteria provided, multiple submitters, no conflicts (2 of 4 stars). 2 submissions from 2 submitters: Likely benign (2). Last evaluated 2025-07-01.

Allele frequency attached by ClinVar (database versions not stated): 1000 Genomes Project 0.00379; 1000 Genomes Project 30x 0.00406; gnomAD exomes 0.00406 and 0.00749; ExAC 0.00413; gnomAD 0.00468 and 0.00469; TOPMed 0.00468; ESP Exome Variant Server 0.00639.
gnomAD v4.1: 11,469 of 1,601,348 alleles (0.72%); highest among the groups gnomAD compares: Non-Finnish European, 0.89%; 63 homozygotes.

Submissions (4):

CeGaT Center for Human Genetics Tuebingen
Classification: Likely benign. Last evaluated: 2025-07-01. Review status: criteria provided, single submitter. Criteria: CeGaT Center For Human Genetics Tuebingen Variant Classification Criteria Version 2. Collection method: clinical testing. Allele origin: germline. Affected: yes. Observed: 18 variant alleles.
Comment: TRPA1: BP4, BP7, BS2

Labcorp Genetics (formerly Invitae), Labcorp
Classification: Likely benign. Last evaluated: 2019-12-31. Review status: criteria provided, single submitter. Criteria: Invitae Variant Classification Sherloc (09022015). Collection method: clinical testing. Allele origin: germline.

Dr. Peter K. Rogan Lab, Western University
No classification provided (evidence only). Condition: Melanoma. Review status: no classification provided. Collection method: in vitro. Allele origin: not applicable. Functional consequence: retained intron. Not counted in ClinVar's aggregate classification.

Dr. Peter K. Rogan Lab, Western University
No classification provided (evidence only). Condition: Malignant tumor of esophagus. Review status: no classification provided. Collection method: in vitro. Allele origin: not applicable. Functional consequence: retained intron. Not counted in ClinVar's aggregate classification.